The following is an entry in ClinVar:

NM_206933.4(USH2A):c.7655C>T (p.Thr2552Ile)

Gene: USH2A (usherin; minus strand). Cytogenetic location: 1q41.
Variant type: single nucleotide variant.
Coding change: c.7655C>T on transcript NM_206933.4 (MANE Select); coding-DNA position 7655, C replaced by T.
Protein change: p.Thr2552Ile; replaces threonine 2552 with isoleucine.
Molecular consequence: missense variant.
Genome position (GRCh38, 1-based): chr1:215,888,994, G>A on the plus strand (C>T on the coding strand, the complement: USH2A is on the minus strand). VCF-style: chr1-215888994-G-A. GRCh37 (hg19) VCF-style: chr1-216062336-G-A.
Other names: short protein forms T2552I.
Identifiers: ClinVar variation 4527122 (VCV004527122.1).

ClinVar aggregate classification (germline): Uncertain significance (1 of 4 stars; one submission).

gnomAD v4.1: 1 of 1,614,046 alleles (0.000062%); highest among the groups gnomAD compares: Non-Finnish European, 0.000085%; no homozygotes.

Submission:

GeneDx
Classification: Uncertain significance. Last evaluated: 2025-04-21. Review status: criteria provided, single submitter. Criteria: GeneDx Variant Classification Process June 2021. Collection method: clinical testing. Allele origin: germline. Affected: yes.
Comment: Not observed at significant frequency in large population cohorts (gnomAD); In silico analysis indicates that this missense variant does not alter protein structure/function; Has not been previously published as pathogenic or benign to our knowledge